The following is an entry in ClinVar:

NM_001395400.1(TMEM200C):c.1199G>T (p.Ser400Ile)

Genes: MIR3976HG (MIR3976 host gene; plus strand), TMEM200C (transmembrane protein 200C; minus strand). Cytogenetic location: 18p11.31.
Variant type: single nucleotide variant.
Coding change: c.1199G>T on transcript NM_001395400.1 (MANE Select); coding-DNA position 1199, G replaced by T.
Protein change: p.Ser400Ile; replaces serine 400 with isoleucine.
Molecular consequence: missense variant.
Genome position (GRCh38, 1-based): chr18:5,890,865, C>A on the plus strand (G>T on the coding strand, the complement: TMEM200C is on the minus strand). VCF-style: chr18-5890865-C-A. GRCh37 (hg19) VCF-style: chr18-5890864-C-A.
Other names: c.1199G>T, p.Ser400Ile (NM_001080209.3); short protein forms S400I.
Identifiers: ClinVar variation 2648535 (VCV002648535.24), dbSNP rs577682765, ClinGen allele CA8878494.

ClinVar aggregate classification (germline): Likely benign (1 of 4 stars; one submission).

Allele frequency attached by ClinVar (database versions not stated): gnomAD exomes 0.00307; 1000 Genomes Project 0.00040; 1000 Genomes Project 30x 0.00125; ExAC 0.00147; TOPMed 0.00172; gnomAD 0.00271.

Submission:

CeGaT Center for Human Genetics Tuebingen
Classification: Likely benign. Last evaluated: 2022-12-01. Review status: criteria provided, single submitter. Criteria: CeGaT Center For Human Genetics Tuebingen Variant Classification Criteria Version 2. Collection method: clinical testing. Allele origin: germline. Affected: yes. Observed: 1 variant allele.
Comment: TMEM200C: BS2